The following is an entry in ClinVar:

NM_014363.6(SACS):c.6634_6637del (p.Thr2212fs)

Gene: SACS (sacsin molecular chaperone; minus strand). Cytogenetic location: 13q12.12.
Variant type: Deletion.
Coding change: c.6634_6637del on transcript NM_014363.6 (MANE Select); coding-DNA positions 6634 to 6637, 4 bases deleted (ACAA; older notation c.6634_6637delACAA).
Protein change: p.Thr2212fs; shifts the reading frame from threonine 2212.
Molecular consequence: frameshift variant.
Genome position (GRCh38, 1-based): chr13:23,337,239-23,337,242, TTGT deleted on the plus strand (ACAA on the coding strand, the reverse complement: SACS is on the minus strand); deleting any 4 consecutive bases within chr13:23,337,239-23,337,245 gives the same sequence; the c. name uses the placement nearest the transcript's 3' end. VCF-style (leftmost placement, unchanged base first): chr13-23337238-ATTGT-A. GRCh37 (hg19) VCF-style: chr13-23911377-ATTGT-A.
Other names: c.6193_6196del, p.Thr2065fs (NM_001278055.2); c.6634_6637del (NM_014363.5); short protein forms T2065fs, T2212fs.
Identifiers: ClinVar variation 3633181 (VCV003633181.3).
Genomic context (GRCh38, chr13:23,337,238, plus strand): 5'-CTGTTGCCTTTCCAGTCCAAAGAAAAACCTGCTGGTTTTGTCAGAAATGGAAGGAAGCGG[ATTGT>A]TTGATATTTTGCAGCAAAATCCTTTGCTCTAGGATCCCTTATTTTTAGTTTCTCATCGAT-3'

ClinVar aggregate classification (germline): Pathogenic/Likely pathogenic. Review status: criteria provided, multiple submitters, no conflicts (2 of 4 stars). 2 submissions from 2 submitters: Pathogenic (1); Likely pathogenic (1). Last evaluated 2024-08-05.

Conditions:
Charlevoix-Saguenay spastic ataxia (SACS). Also called: SPASTIC ATAXIA 6, AUTOSOMAL RECESSIVE; AUTOSOMAL RECESSIVE SPASTIC ATAXIA OF CHARLEVOIX-SAGUENAY; Spastic ataxia of Charlevoix-Saguenay. Identifiers: Orphanet 98, MedGen C1849140, MONDO:0010041, OMIM 270550.
Spastic paraplegia. Identifiers: MedGen C0037772, HP:0001258.

Submissions (2):

Natera, Inc.
Classification: Likely pathogenic for Charlevoix-Saguenay type spastic ataxia. Last evaluated: 2024-08-05. Review status: criteria provided, single submitter. Criteria: Natera Variant Classification Schema (03/2026). Collection method: clinical testing. Allele origin: germline.
Comment: The c.6634_6637del variant in SACS is a frameshift variant predicted to shift the reading frame beginning at codon 2212 and leads to a stop codon 7 codons downstream. This variant is expected to result in nonsense mediated decay, truncation, or a dysfunctional protein product. This variant is rare in the general population with a frequency below the threshold expected for the associated phenotype(s). Given the available evidence, this variant is classified as Likely Pathogenic.

Labcorp Genetics (formerly Invitae), Labcorp
Classification: Pathogenic for Spastic paraplegia. Last evaluated: 2024-02-08. Review status: criteria provided, single submitter. Criteria: Invitae Variant Classification Sherloc (09022015). Collection method: clinical testing. Allele origin: germline.
Comment: This sequence change creates a premature translational stop signal (p.Thr2212Serfs*7) in the SACS gene. While this is not anticipated to result in nonsense mediated decay, it is expected to disrupt the last 2368 amino acid(s) of the SACS protein. This variant is not present in population databases (gnomAD no frequency). This variant has not been reported in the literature in individuals affected with SACS-related conditions. This variant disrupts a region of the SACS protein in which other variant(s) (p.Asn4549Asp) have been determined to be pathogenic (PMID: 15156359, 21507954). This suggests that this is a clinically significant region of the protein, and that variants that disrupt it are likely to be disease-causing. For these reasons, this variant has been classified as Pathogenic.

Literature cited by the submitters: PubMed 15156359 (cited by Labcorp Genetics (formerly Invitae), Labcorp); PubMed 21507954 (cited by Labcorp Genetics (formerly Invitae), Labcorp).